The following is an entry in ClinVar:

NM_001032283.3(TMPO):c.152C>T (p.Pro51Leu)

Genes: TMPO (thymopoietin; plus strand), TMPO-AS1 (TMPO antisense RNA 1; minus strand). Cytogenetic location: 12q23.1.
Variant type: single nucleotide variant.
Coding change: c.152C>T on transcript NM_001032283.3 (MANE Select); coding-DNA position 152, C replaced by T.
Protein change: p.Pro51Leu; replaces proline 51 with leucine.
Molecular consequence: missense variant. On other transcripts: non-coding transcript variant (1).
Genome position (GRCh38, 1-based): chr12:98,516,019, C>T. VCF-style: chr12-98516019-C-T. GRCh37 (hg19) VCF-style: chr12-98909797-C-T.
Other names: c.152C>T, p.Pro51Leu (NM_001032284.3, NM_001307975.2, NM_003276.2); short protein forms P51L.
Identifiers: ClinVar variation 1774591 (VCV001774591.7), dbSNP rs751968708, ClinGen allele CA6732114.

ClinVar aggregate classification (germline): Uncertain significance. Review status: criteria provided, multiple submitters, no conflicts (2 of 4 stars). 2 submissions from 2 submitters: Uncertain significance (2). Last evaluated 2025-10-29.

Conditions:
Loeys-Dietz syndrome 2 (LDS2). Also called: TGFBR2-Related Loeys-Dietz Syndrome; AORTIC ANEURYSM, FAMILIAL THORACIC 3; MARFAN SYNDROME, TYPE II; Marfan syndrome, type 2 (formerly); Marfan Syndrome type 2; Marfan like connective tissue disorder. Identifiers: Orphanet 284973, Orphanet 558, MedGen C2674574, MONDO:0012427, OMIM 610168.

Allele frequency attached by ClinVar (database versions not stated): ExAC 0.00001; gnomAD exomes 0.00001; gnomAD 0.00003; TOPMed 0.00003.
gnomAD v4.1: 18 of 1,608,636 alleles (0.0011%); highest among the groups gnomAD compares: Non-Finnish European, 0.0014%; no homozygotes.

Submissions (2):

Ambry Genetics
Classification: Uncertain significance. Last evaluated: 2025-10-29. Review status: criteria provided, single submitter. Criteria: Ambry Variant Classification Scheme 2023. Collection method: clinical testing. Allele origin: germline.
Comment: The p.P51L variant (also known as c.152C>T), located in coding exon 1 of the TMPO gene, results from a C to T substitution at nucleotide position 152. The proline at codon 51 is replaced by leucine, an amino acid with similar properties. This amino acid position is conserved. In addition, this alteration is predicted to be tolerated by in silico analysis. Since supporting evidence is limited at this time, the clinical significance of this alteration remains unclear.

Labcorp Genetics (formerly Invitae), Labcorp
Classification: Uncertain significance for Loeys-Dietz syndrome 2. Last evaluated: 2023-03-26. Review status: criteria provided, single submitter. Criteria: Invitae Variant Classification Sherloc (09022015). Collection method: clinical testing. Allele origin: germline.
Comment: This sequence change replaces proline, which is neutral and non-polar, with leucine, which is neutral and non-polar, at codon 51 of the TMPO protein (p.Pro51Leu). The frequency data for this variant in the population databases is considered unreliable, as metrics indicate poor data quality at this position in the gnomAD database. This variant has not been reported in the literature in individuals affected with TMPO-related conditions. ClinVar contains an entry for this variant (Variation ID: 1774591). An algorithm developed to predict the effect of missense changes on protein structure and function (PolyPhen-2) suggests that this variant is likely to be disruptive. In summary, the available evidence is currently insufficient to determine the role of this variant in disease. Therefore, it has been classified as a Variant of Uncertain Significance.